The following is an entry in ClinVar:

ClinVar aggregate classification (germline): Uncertain significance (1 of 4 stars; one submission).

Conditions:
Occipital pachygyria and polymicrogyria. Identifiers: Orphanet 280640, MedGen C3279875, MONDO:0013583, OMIM 614115.

Allele frequency attached by ClinVar (database versions not stated): gnomAD exomes below 0.00001.
gnomAD v4.1: 2 of 1,614,124 alleles (0.00012%); highest among the groups gnomAD compares: Non-Finnish European, 0.00017%; no homozygotes.

Submission:

Labcorp Genetics (formerly Invitae), Labcorp
Classification: Uncertain significance. Last evaluated: 2022-04-08. Review status: criteria provided, single submitter. Criteria: Invitae Variant Classification Sherloc (09022015). Collection method: clinical testing. Allele origin: germline.
Comment: This variant is not present in population databases (gnomAD no frequency). This variant has not been reported in the literature in individuals affected with LAMC3-related conditions. Algorithms developed to predict the effect of missense changes on protein structure and function are either unavailable or do not agree on the potential impact of this missense change (SIFT: "Deleterious"; PolyPhen-2: "Probably Damaging"; Align-GVGD: "Class C0"). In summary, the available evidence is currently insufficient to determine the role of this variant in disease. Therefore, it has been classified as a Variant of Uncertain Significance. This sequence change replaces leucine, which is neutral and non-polar, with proline, which is neutral and non-polar, at codon 438 of the LAMC3 protein (p.Leu438Pro).

NM_006059.4(LAMC3):c.1313T>C (p.Leu438Pro)

Gene: LAMC3 (laminin subunit gamma 3; plus strand). Cytogenetic location: 9q34.12.
Variant type: single nucleotide variant.
Coding change: c.1313T>C on transcript NM_006059.4 (MANE Select); coding-DNA position 1313, T replaced by C.
Protein change: p.Leu438Pro; replaces leucine 438 with proline.
Molecular consequence: missense variant.
Genome position (GRCh38, 1-based): chr9:131,041,666, T>C. VCF-style: chr9-131041666-T-C. GRCh37 (hg19) VCF-style: chr9-133917053-T-C.
Other names: c.1313T>C (NM_006059.3); short protein forms L438P.
Identifiers: ClinVar variation 2123245 (VCV002123245.5), dbSNP rs2490723734, ClinGen allele CA375260283.